The following is an entry in ClinVar:

NM_173076.3(ABCA12):c.7255G>A (p.Gly2419Ser)

Genes: ABCA12 (ATP binding cassette subfamily A member 12; minus strand), SNHG31 (small nucleolar RNA host gene 31; plus strand). Cytogenetic location: 2q35.
Variant type: single nucleotide variant.
Coding change: c.7255G>A on transcript NM_173076.3 (MANE Select); coding-DNA position 7255, G replaced by A.
Protein change: p.Gly2419Ser; replaces glycine 2419 with serine.
Molecular consequence: missense variant. On other transcripts: non-coding transcript variant (1).
Genome position (GRCh38, 1-based): chr2:214,945,089, C>T on the plus strand (G>A on the coding strand, the complement: ABCA12 is on the minus strand). VCF-style: chr2-214945089-C-T. GRCh37 (hg19) VCF-style: chr2-215809813-C-T.
Other names: c.6301G>A, p.Gly2101Ser (NM_015657.4); short protein forms G2101S, G2419S.
Identifiers: ClinVar variation 2094178 (VCV002094178.1), dbSNP rs2469126087, ClinGen allele CA350793747.

ClinVar aggregate classification (germline): Uncertain significance (1 of 4 stars; one submission).

Submission:

Labcorp Genetics (formerly Invitae), Labcorp
Classification: Uncertain significance. Last evaluated: 2022-02-06. Review status: criteria provided, single submitter. Criteria: Invitae Variant Classification Sherloc (09022015). Collection method: clinical testing. Allele origin: germline.
Comment: This sequence change replaces glycine, which is neutral and non-polar, with serine, which is neutral and polar, at codon 2419 of the ABCA12 protein (p.Gly2419Ser). This variant is not present in population databases (gnomAD no frequency). This missense change has been observed in individual(s) with clinical features of ichthyosis (Invitae). Advanced modeling of protein sequence and biophysical properties (such as structural, functional, and spatial information, amino acid conservation, physicochemical variation, residue mobility, and thermodynamic stability) performed at Invitae indicates that this missense variant is expected to disrupt ABCA12 protein function. In summary, the available evidence is currently insufficient to determine the role of this variant in disease. Therefore, it has been classified as a Variant of Uncertain Significance.